The following is an entry in ClinVar:

NM_001367624.2(ZNF469):c.1717C>A (p.His573Asn)

Gene: ZNF469 (zinc finger protein 469; plus strand). Cytogenetic location: 16q24.2.
Variant type: single nucleotide variant.
Coding change: c.1717C>A on transcript NM_001367624.2 (MANE Select); coding-DNA position 1717, C replaced by A.
Protein change: p.His573Asn; replaces histidine 573 with asparagine.
Molecular consequence: missense variant.
Genome position (GRCh38, 1-based): chr16:88,429,187, C>A. VCF-style: chr16-88429187-C-A. GRCh37 (hg19) VCF-style: chr16-88495595-C-A.
Other names: NM_001127464.1:c.1717C>A; short protein forms H573N.
Identifiers: ClinVar variation 1778652 (VCV001778652.2), dbSNP rs1472622758, ClinGen allele CA397068219.

ClinVar aggregate classification (germline): Uncertain significance (1 of 4 stars; one submission).

Conditions:
Cardiovascular phenotype. Identifiers: MedGen CN230736.

gnomAD v4.1: 1 of 1,549,926 alleles (0.000065%); highest among the groups gnomAD compares: Admixed American, 0.002%; no homozygotes.

Submission:

Ambry Genetics
Classification: Uncertain significance for Cardiovascular phenotype. Last evaluated: 2021-10-16. Review status: criteria provided, single submitter. Criteria: Ambry Variant Classification Scheme 2023. Collection method: clinical testing. Allele origin: germline.
Comment: The p.H573N variant (also known as c.1717C>A), located in coding exon 1 of the ZNF469 gene, results from a C to A substitution at nucleotide position 1717. The histidine at codon 573 is replaced by asparagine, an amino acid with similar properties. This amino acid position is conserved. In addition, this alteration is predicted to be tolerated by in silico analysis. Since supporting evidence is limited at this time, the clinical significance of this alteration remains unclear.